The following is an entry in ClinVar:

NC_000023.10:g.(?_118968841)_(119010497_?)del

Genes: NDUFA1 (NADH:ubiquinone oxidoreductase subunit A1; plus strand), RNF113A (ring finger protein 113A; minus strand), UPF3B (UPF3B regulator of nonsense mediated mRNA decay; minus strand). Cytogenetic location: Xq24.
Variant type: Deletion.
Identifiers: ClinVar variation 2425677 (VCV002425677.3).

ClinVar aggregate classification (germline): Uncertain significance (1 of 4 stars; one submission).

Submission:

Labcorp Genetics (formerly Invitae), Labcorp
Classification: Uncertain significance. Last evaluated: 2022-10-11. Review status: criteria provided, single submitter. Criteria: Invitae Variant Classification Sherloc (09022015). Collection method: clinical testing. Allele origin: germline.
Comment: A gross deletion of the genomic region encompassing the full coding sequence of the RNF113A gene has been identified. The current clinical and genetic evidence is not sufficient to establish whether loss-of-function variants in RNF113A cause disease. The boundaries of this event are unknown as they extend beyond the assayed region for this gene and therefore may encompass additional genes. This variant has not been reported in the literature in individuals affected with RNF113A-related conditions. In summary, the available evidence is currently insufficient to determine the role of this variant in disease. Therefore, it has been classified as a Variant of Uncertain Significance.